The following is an entry in ClinVar:

NM_022489.4(INF2):c.2553G>A (p.Glu851=)

Gene: INF2 (inverted formin 2; plus strand). Cytogenetic location: 14q32.33.
Variant type: single nucleotide variant.
Coding change: c.2553G>A on transcript NM_022489.4 (MANE Select); coding-DNA position 2553, G replaced by A.
Protein change: p.Glu851=; no amino-acid change (glutamic acid 851 retained).
Molecular consequence: synonymous variant.
Genome position (GRCh38, 1-based): chr14:104,712,496, G>A. VCF-style: chr14-104712496-G-A. GRCh37 (hg19) VCF-style: chr14-105178833-G-A.
Other names: c.2553G>A (NM_022489.3); c.2553G>A, p.Glu851= (NM_001031714.4).
Identifiers: ClinVar variation 1123243 (VCV001123243.11), dbSNP rs368901958, ClinGen allele CA7372977.
Genomic context (GRCh38, chr14:104,712,496, plus strand): 5'-CAACCTGGAGATCATCCGCTCAGAGGCCAGCTCCAACCTGAAGAAGCTTCTGGAGACCGA[G>A]CGGAAGGTGTCTGCCTCCGTGGCCGAGGTCCAGGAGCAGTACACCGAGCGCCTCCAGGCA-3'
Protein context (NP_071934.3, residues 841-861): SSNLKKLLET[Glu851=]RKVSASVAEV

ClinVar aggregate classification (germline): Likely benign. Review status: criteria provided, multiple submitters, no conflicts (2 of 4 stars). 3 submissions from 3 submitters: Likely benign (3). Last evaluated 2025-10-29.

Conditions:
Charcot-Marie-Tooth disease dominant intermediate E. Also called: CHARCOT-MARIE-TOOTH NEUROPATHY WITH FOCAL SEGMENTAL GLOMERULONEPHRITIS. Identifiers: Orphanet 93114, MedGen C4302667, MONDO:0013758, OMIM 614455.
Focal segmental glomerulosclerosis 5 (FSGS5). Identifiers: Orphanet 656, MedGen C2750475, MONDO:0013191, OMIM 613237.
INF2-related disorder. Also called: INF2-related condition.

Allele frequency attached by ClinVar (database versions not stated): gnomAD 0.00001; TOPMed 0.00003; ESP Exome Variant Server 0.00016.
gnomAD v4.1: 55 of 1,612,608 alleles (0.0034%); highest among the groups gnomAD compares: Non-Finnish European, 0.0043%; no homozygotes.

Submissions (3):

Labcorp Genetics (formerly Invitae), Labcorp
Classification: Likely benign for Charcot-Marie-Tooth disease dominant intermediate E; Focal segmental glomerulosclerosis 5. Last evaluated: 2025-10-29. Review status: criteria provided, single submitter. Criteria: Invitae Variant Classification Sherloc (09022015). Collection method: clinical testing. Allele origin: germline.

PreventionGenetics, part of Exact Sciences
Classification: Likely benign for INF2-related condition. Last evaluated: 2025-10-16. Review status: criteria provided, single submitter. Criteria: ACMG Guidelines, 2015. Collection method: clinical testing. Allele origin: germline.
Comment: This variant is classified as likely benign based on ACMG/AMP sequence variant interpretation guidelines (Richards et al. 2015 PMID: 25741868, with internal and published modifications).

Fulgent Genetics
Classification: Likely benign for Focal segmental glomerulosclerosis 5; Charcot-Marie-Tooth disease dominant intermediate E. Last evaluated: 2021-12-15. Review status: criteria provided, single submitter. Criteria: ACMG Guidelines, 2015. Collection method: clinical testing. Allele origin: unknown.